The following is an entry in ClinVar:

NM_000154.2(GALK1):c.102_103dup (p.Pro35fs)

Gene: GALK1 (galactokinase 1; minus strand). Cytogenetic location: 17q25.1.
Variant type: Microsatellite.
Coding change: c.102_103dup on transcript NM_000154.2 (MANE Select); coding-DNA positions 102 to 103, 2 bases duplicated (GC; older notation c.102_103dupGC).
Protein change: p.Pro35fs; shifts the reading frame from proline 35.
Molecular consequence: frameshift variant.
Genome position (GRCh38, 1-based): chr17:75,765,034-75,765,035, GC duplicated on the plus strand (GC on the coding strand, the reverse complement: GALK1 is on the minus strand); duplicating any 2 consecutive bases within chr17:75,765,034-75,765,037 gives the same sequence; the c. name uses the placement nearest the transcript's 3' end. VCF-style (leftmost placement, unchanged base first): chr17-75765033-G-GGC. GRCh37 (hg19) VCF-style: chr17-73761114-G-GGC.
Other names: c.102_103dup, p.Pro35fs (NM_001381985.1); short protein forms P35fs.
Identifiers: ClinVar variation 551180 (VCV000551180.7), dbSNP rs771067891, ClinGen allele CA8771141.

ClinVar aggregate classification (germline): Pathogenic/Likely pathogenic. Review status: criteria provided, multiple submitters, no conflicts (2 of 4 stars). 3 submissions from 3 submitters: Pathogenic (1); Likely pathogenic (1). 1 of the submissions does not count toward it. Last evaluated 2024-04-26.

Conditions:
Deficiency of galactokinase. Also called: Galactokinase deficiency with cataracts; GALACTOSEMIA II. Identifiers: Orphanet 352, Orphanet 79237, MedGen C0268155, MONDO:0009255, OMIM 230200.

Submissions (3):

Natera, Inc.
Classification: Likely pathogenic for Deficiency of galactokinase. Last evaluated: 2024-04-26. Review status: criteria provided, single submitter. Criteria: Natera Variant Classification Schema (03/2026). Collection method: clinical testing. Allele origin: germline.
Comment: The c.102_103dupGC variant in GALK1 is a frameshift variant predicted to shift the reading frame beginning at codon 35 and leads to a stop codon 27 codons downstream. This variant is expected to result in nonsense mediated decay, truncation, or a dysfunctional protein product. This variant is rare in the general population with a frequency below the threshold expected for the associated phenotype(s). Given the available evidence, this variant is classified as Likely Pathogenic.

Labcorp Genetics (formerly Invitae), Labcorp
Classification: Pathogenic for Deficiency of galactokinase. Last evaluated: 2023-10-22. Review status: criteria provided, single submitter. Criteria: Invitae Variant Classification Sherloc (09022015). Collection method: clinical testing. Allele origin: germline.
Comment: This sequence change creates a premature translational stop signal (p.Pro35Argfs*27) in the GALK1 gene. It is expected to result in an absent or disrupted protein product. Loss-of-function variants in GALK1 are known to be pathogenic (PMID: 7670469, 10790206). This variant is present in population databases (rs771067891, gnomAD 0.001%). This variant has not been reported in the literature in individuals affected with GALK1-related conditions. For these reasons, this variant has been classified as Pathogenic.

Counsyl
Classification: Likely pathogenic for Deficiency of galactokinase. Last evaluated: 2017-03-20. Review status: no assertion criteria provided. Collection method: clinical testing. Allele origin: unknown. Not counted in ClinVar's aggregate classification.

Literature cited by the submitters: PubMed 7670469 (cited by Labcorp Genetics (formerly Invitae), Labcorp); PubMed 10790206 (cited by Labcorp Genetics (formerly Invitae), Labcorp).